The following is an entry in ClinVar:

NM_000282.4(PCCA):c.819+9A>G

Gene: PCCA (propionyl-CoA carboxylase subunit alpha; plus strand). Cytogenetic location: 13q32.3.
Variant type: single nucleotide variant.
Coding change: c.819+9A>G on transcript NM_000282.4 (MANE Select); 9 bases into the intron after coding-DNA position 819, A replaced by G.
Molecular consequence: intron variant.
Genome position (GRCh38, 1-based): chr13:100,262,840, A>G. VCF-style: chr13-100262840-A-G. GRCh37 (hg19) VCF-style: chr13-100915094-A-G.
Other names: c.819+9A>G (NM_001178004.2, NM_001352605.2, NM_001352606.2 and 1 more transcripts); c.-127+9A>G (NM_001352610.2, NM_001352611.2, NM_001352612.2); c.741+9A>G (NM_001127692.3, NM_001352607.2, NM_001352608.2).
Identifiers: ClinVar variation 568750 (VCV000568750.17), dbSNP rs372739944, ClinGen allele CA7033385.

ClinVar aggregate classification (germline): Conflicting classifications of pathogenicity. Review status: criteria provided, conflicting classifications (1 of 4 stars). 4 submissions from 4 submitters: Uncertain significance (2); Likely benign (1). 1 of the submissions does not count toward it. Last evaluated 2026-02-03.

Conditions:
Propionic acidemia (PROP). Also called: GLYCINEMIA, KETOTIC; HYPERGLYCINEMIA WITH KETOACIDOSIS AND LEUKOPENIA; KETOTIC HYPERGLYCINEMIA. Identifiers: Orphanet 35, MedGen C0268579, MONDO:0011628, OMIM 606054, HP:0003571.

Allele frequency attached by ClinVar (database versions not stated): gnomAD 0.00004 and 0.00003; ExAC 0.00005; TOPMed 0.00005; ESP Exome Variant Server 0.00008; gnomAD exomes 0.00002 and 0.00001.
gnomAD v4.1: 34 of 1,012,214 alleles (0.0034%); highest among the groups gnomAD compares: East Asian, 0.0095%; no homozygotes.

Submissions (5):

Labcorp Genetics (formerly Invitae), Labcorp
Classification: Likely benign for Propionic acidemia. Last evaluated: 2026-02-03. Review status: criteria provided, single submitter. Criteria: Invitae Variant Classification Sherloc (09022015). Collection method: clinical testing. Allele origin: germline.

3billion
Classification: Uncertain significance for Propionic acidemia. Last evaluated: 2024-12-31. Review status: criteria provided, single submitter. Criteria: ACMG Guidelines, 2015. Collection method: clinical testing. Allele origin: germline. Affected: yes.
Comment: The variant is observed at an extremely low frequency in the gnomAD v4.1.0 dataset (total allele frequency: 0.003%). Predicted Consequence/Location: Intron variant In silico tools predict the variant to alter splicing and produce an abnormal transcript [SpliceAI: 0.57 (>=0.2, moderate evidence for spliceogenicity)]. The variant has been reported as of uncertain significance (ClinVar ID: VCV000568750). Therefore, this variant is classified as VUS according to the recommendation of ACMG/AMP guideline.

Laboratory of Inherited Metabolic Diseases, Research centre for medical genetics
Classification: Uncertain significance for Propionic acidemia. Last evaluated: 2021-02-17. Review status: criteria provided, single submitter. Criteria: ACMG Guidelines, 2015. Collection method: research, in vitro. Allele origin: unknown, not applicable.
Comment: PM2, BS3

Natera, Inc.
Classification: Uncertain significance for Propionic acidemia. Last evaluated: 2019-10-28. Review status: no assertion criteria provided. Collection method: clinical testing. Allele origin: germline. Not counted in ClinVar's aggregate classification.

Dr. Peter K. Rogan Lab, Western University
No classification provided (evidence only). Condition: Uterine corpus endometrial carcinoma. Review status: no classification provided. Collection method: in vitro. Allele origin: not applicable. Functional consequence: skipped exon, retained intron. Not counted in ClinVar's aggregate classification.